The following is an entry in ClinVar:

NM_000051.4(ATM):c.318del (p.Lys106fs)

Gene: ATM (ATM serine/threonine kinase; plus strand). Cytogenetic location: 11q22.3.
Variant type: Deletion.
Coding change: c.318del on transcript NM_000051.4 (MANE Select); coding-DNA position 318, one base deleted (A; older notation c.318delA).
Protein change: p.Lys106fs; shifts the reading frame from lysine 106.
Molecular consequence: frameshift variant.
Genome position (GRCh38, 1-based): chr11:108,229,310, A deleted; the last of 3 consecutive A bases (chr11:108,229,308-108,229,310); deleting any one gives the same sequence. VCF-style (leftmost placement, unchanged base first): chr11-108229307-CA-C. GRCh37 (hg19) VCF-style: chr11-108100034-CA-C.
Other names: c.318del, p.Lys106fs (NM_001351834.2, NM_001351835.2, NM_001351836.2); c.318del (NM_000051.3); short protein forms K106fs.
Identifiers: ClinVar variation 823129 (VCV000823129.12), dbSNP rs1591452378, ClinGen allele CA915947709.
Genomic context (GRCh38, chr11:108,229,307, plus strand): 5'-AACACAAGCCTCCAGGCAGAAAAAGATGCAGGAAATCAGTAGTTTGGTCAAATACTTCAT[CA>C]AATGTGCAAACAGAAGTAAGTGATGTTATAAATTATAAATAAATGGCTTAACAGATTACT-3'

ClinVar aggregate classification (germline): Pathogenic. Review status: criteria provided, multiple submitters, no conflicts (2 of 4 stars). 2 submissions from 2 submitters: Pathogenic (2). Last evaluated 2022-09-01.

Conditions:
Hereditary cancer-predisposing syndrome. Also called: Hereditary Cancer Syndrome; Neoplastic Syndromes, Hereditary; Hereditary neoplastic syndrome; Tumor predisposition. Identifiers: Orphanet 140162, MedGen C0027672, MeSH D009386, MONDO:0015356.
Ataxia-telangiectasia syndrome (AT). Also called: Cerebello-oculocutaneous telangiectasia; Immunodeficiency with ataxia telangiectasia; Ataxia-telangiectasia, complementation group E; Ataxia-telangiectasia, complementation group D; AT, COMPLEMENTATION GROUP C; ATAXIA-TELANGIECTASIA, COMPLEMENTATION GROUP A. Identifiers: Orphanet 100, MedGen C0004135, MONDO:0008840, OMIM 208900.

Submissions (2):

Labcorp Genetics (formerly Invitae), Labcorp
Classification: Pathogenic for Ataxia-telangiectasia syndrome. Last evaluated: 2022-09-01. Review status: criteria provided, single submitter. Criteria: Invitae Variant Classification Sherloc (09022015). Collection method: clinical testing. Allele origin: germline.
Comment: This sequence change creates a premature translational stop signal (p.Lys106Asnfs*10) in the ATM gene. It is expected to result in an absent or disrupted protein product. Loss-of-function variants in ATM are known to be pathogenic (PMID: 23807571, 25614872). This variant is not present in population databases (gnomAD no frequency). This variant has not been reported in the literature in individuals affected with ATM-related conditions. ClinVar contains an entry for this variant (Variation ID: 823129). For these reasons, this variant has been classified as Pathogenic.

Ambry Genetics
Classification: Pathogenic for Hereditary cancer-predisposing syndrome. Last evaluated: 2021-08-17. Review status: criteria provided, single submitter. Criteria: Ambry Variant Classification Scheme 2023. Collection method: clinical testing. Allele origin: germline.
Comment: The c.318delA pathogenic mutation, located in coding exon 3 of the ATM gene, results from a deletion of one nucleotide at nucleotide position 318, causing a translational frameshift with a predicted alternate stop codon (p.K106Nfs*10). This alteration is expected to result in loss of function by premature protein truncation or nonsense-mediated mRNA decay. This variant is considered to be rare based on population cohorts in the Genome Aggregation Database (gnomAD). As such, this alteration is interpreted as a disease-causing mutation.

Literature cited by the submitters: PubMed 23807571 (cited by Labcorp Genetics (formerly Invitae), Labcorp); PubMed 25614872 (cited by Labcorp Genetics (formerly Invitae), Labcorp).